The following is an entry in ClinVar:

ClinVar aggregate classification (germline): Likely benign. Review status: criteria provided, multiple submitters, no conflicts (2 of 4 stars). 2 submissions from 2 submitters: Likely benign (2). Last evaluated 2018-06-15.

Allele frequency attached by ClinVar (database versions not stated): gnomAD 0.00452 and 0.00486; TOPMed 0.00508; 1000 Genomes Project 30x 0.00515; 1000 Genomes Project 0.00519.
gnomAD v4.1: 685 of 152,272 alleles (0.45%); highest among the groups gnomAD compares: African/African-American, 1.6%; 5 homozygotes.

Submissions (2):

GeneDx
Classification: Likely benign. Last evaluated: 2018-06-15. Review status: criteria provided, single submitter. Criteria: GeneDx Variant Classification (06012015). Collection method: clinical testing. Allele origin: germline. Affected: yes.
Comment: This variant is considered likely benign or benign based on one or more of the following criteria: it is a conservative change, it occurs at a poorly conserved position in the protein, it is predicted to be benign by multiple in silico algorithms, and/or has population frequency not consistent with disease.

Breakthrough Genomics
Classification: Likely benign. Review status: criteria provided, single submitter. Criteria: ACMG Guidelines, 2015. Collection method: not provided. Allele origin: germline. Inheritance: Autosomal recessive inheritance. Affected: yes.

NM_000143.4(FH):c.1391-158A>T

Gene: FH (fumarate hydratase; minus strand). Cytogenetic location: 1q43.
Variant type: single nucleotide variant.
Coding change: c.1391-158A>T on transcript NM_000143.4 (MANE Select); 158 bases into the intron before coding-DNA position 1391, A replaced by T.
Molecular consequence: intron variant.
Genome position (GRCh38, 1-based): chr1:241,498,128, T>A on the plus strand (A>T on the coding strand, the complement: FH is on the minus strand). VCF-style: chr1-241498128-T-A. GRCh37 (hg19) VCF-style: chr1-241661428-T-A.
Identifiers: ClinVar variation 679613 (VCV000679613.2), dbSNP rs116598415, ClinGen allele CA40371920.